The following is an entry in ClinVar:

NM_001271.4(CHD2):c.4278+5T>C

Gene: CHD2 (chromodomain helicase DNA binding protein 2; plus strand). Cytogenetic location: 15q26.1.
Variant type: single nucleotide variant.
Coding change: c.4278+5T>C on transcript NM_001271.4 (MANE Select); 5 bases into the intron after coding-DNA position 4278, T replaced by C.
Molecular consequence: intron variant.
Genome position (GRCh38, 1-based): chr15:93,002,322, T>C. VCF-style: chr15-93002322-T-C. GRCh37 (hg19) VCF-style: chr15-93545552-T-C.
Identifiers: ClinVar variation 383247 (VCV000383247.61), dbSNP rs202174434, ClinGen allele CA7748423.
Genomic context (GRCh38, chr15:93,002,322, plus strand): 5'-GGAAAGACAAAGAAGGGGACAAGGAAAGAAAGAAGTCAAAAGATAAGAAAGAGAAGGTAA[T>C]GATGCCCTTCTGTTCATGCAGATATCCACAGCCTTTGCAATTCGCCATTTGGATTTAGAA-3'

ClinVar aggregate classification (germline): Benign/Likely benign. Review status: criteria provided, multiple submitters, no conflicts (2 of 4 stars). 8 submissions from 8 submitters: Benign (1); Likely benign (4). 3 of the submissions do not count toward it. Last evaluated 2026-09-09.

Conditions:
Inborn genetic diseases. Identifiers: MedGen C0950123, MeSH D030342.
CHD2-related disorder. Also called: CHD2-related condition.
Developmental and epileptic encephalopathy 94 (DEE94). Also called: Epileptic encephalopathy, childhood-onset; CHD2-Related Neurodevelopmental Disorders. Identifiers: Orphanet 1942, Orphanet 2382, MedGen C3809278, MONDO:0014150, OMIM 615369.

Allele frequency attached by ClinVar (database versions not stated): gnomAD 0.00019; ExAC 0.00026; gnomAD exomes 0.00029 and 0.00031; ESP Exome Variant Server 0.00031; TOPMed 0.00036.
gnomAD v4.1: 498 of 1,591,274 alleles (0.031%); highest among the groups gnomAD compares: Non-Finnish European, 0.037%; no homozygotes.

Submissions (8):

Ambry Genetics
Classification: Likely benign for Inborn genetic diseases. Last evaluated: 2026-09-09. Review status: criteria provided, single submitter. Criteria: Ambry Variant Classification Scheme 2023. Collection method: clinical testing. Allele origin: germline.

Labcorp Genetics (formerly Invitae), Labcorp
Classification: Likely benign for Developmental and epileptic encephalopathy 94. Last evaluated: 2026-02-03. Review status: criteria provided, single submitter. Criteria: Invitae Variant Classification Sherloc (09022015). Collection method: clinical testing. Allele origin: germline.

Blueprint Genetics
Classification: Likely benign. Last evaluated: 2024-11-26. Review status: criteria provided, single submitter. Criteria: ACMG Guidelines, 2015. Collection method: clinical testing. Allele origin: germline.

CeGaT Center for Human Genetics Tuebingen
Classification: Likely benign. Last evaluated: 2021-08-01. Review status: criteria provided, single submitter. Criteria: CeGaT Center For Human Genetics Tuebingen Variant Classification Criteria Version 2. Collection method: clinical testing. Allele origin: germline. Affected: yes. Observed: 3 variant alleles.

GeneDx
Classification: Benign. Last evaluated: 2019-06-07. Review status: criteria provided, single submitter. Criteria: GeneDx Variant Classification Process June 2021. Collection method: clinical testing. Allele origin: germline. Affected: yes.

PreventionGenetics, part of Exact Sciences
Classification: Likely benign for CHD2-related condition. Last evaluated: 2024-06-06. Review status: no assertion criteria provided. Collection method: clinical testing. Allele origin: germline. Not counted in ClinVar's aggregate classification.
Comment: This variant is classified as likely benign based on ACMG/AMP sequence variant interpretation guidelines (Richards et al. 2015 PMID: 25741868, with internal and published modifications).

Diagnostic Laboratory, Department of Genetics, University Medical Center Groningen
Classification: Likely benign. Review status: no assertion criteria provided. Collection method: clinical testing. Allele origin: germline. Affected: yes. Study: VKGL Data-share Consensus. Not counted in ClinVar's aggregate classification.

Genome Diagnostics Laboratory, University Medical Center Utrecht
Classification: Likely benign. Review status: no assertion criteria provided. Collection method: clinical testing. Allele origin: germline. Affected: yes. Study: VKGL Data-share Consensus. Not counted in ClinVar's aggregate classification.